The following is an entry in ClinVar:

ClinVar aggregate classification (germline): Uncertain significance (0 of 4 stars; one submission).

Conditions:
EDEM3-related disorder. Also called: EDEM3-related condition.

gnomAD v4.1: 1 of 1,613,476 alleles (0.000062%); highest among the groups gnomAD compares: Non-Finnish European, 0.000085%; no homozygotes.

Submission:

PreventionGenetics, part of Exact Sciences
Classification: Uncertain significance for EDEM3-related condition. Last evaluated: 2024-05-16. Review status: no assertion criteria provided. Collection method: clinical testing. Allele origin: germline.
Comment: The EDEM3 c.2167A>C variant is predicted to result in the amino acid substitution p.Ile723Leu. To our knowledge, this variant has not been reported in the literature or in a large population database, indicating this variant is rare. At this time, the clinical significance of this variant is uncertain due to the absence of conclusive functional and genetic evidence.

NM_025191.4(EDEM3):c.2167A>C (p.Ile723Leu)

Gene: EDEM3 (ER degradation enhancing alpha-mannosidase like protein 3; minus strand). Cytogenetic location: 1q25.3.
Variant type: single nucleotide variant.
Coding change: c.2167A>C on transcript NM_025191.4 (MANE Select); coding-DNA position 2167, A replaced by C.
Protein change: p.Ile723Leu; replaces isoleucine 723 with leucine.
Molecular consequence: missense variant. On other transcripts: non-coding transcript variant (1).
Genome position (GRCh38, 1-based): chr1:184,706,679, T>G on the plus strand (A>C on the coding strand, the complement: EDEM3 is on the minus strand). VCF-style: chr1-184706679-T-G. GRCh37 (hg19) VCF-style: chr1-184675813-T-G.
Other names: c.2167A>C, p.Ile723Leu (NM_001319960.2); short protein forms I723L.
Identifiers: ClinVar variation 3344991 (VCV003344991.1).
Genomic context (GRCh38, chr1:184,706,679, plus strand): 5'-ACAATGACATGGATGATTACTTACCAATAACAATGCCACCAATGGCTCCAGCATTCTGGA[T>G]GTTGCGTGCCTTTTCTGCAAACATGCACTGTCCTCTTTGTATCAGTGCGATTTTTCCCAT-3'
Protein context (NP_079467.3, residues 713-733): QCMFAEKARN[Ile723Leu]QNAGAIGGIV